The following is an entry in ClinVar:

ClinVar aggregate classification (germline): Pathogenic (1 of 4 stars; one submission).

Submission:

Labcorp Genetics (formerly Invitae), Labcorp
Classification: Pathogenic. Last evaluated: 2023-02-27. Review status: criteria provided, single submitter. Criteria: Invitae Variant Classification Sherloc (09022015). Collection method: clinical testing. Allele origin: unknown.
Comment: A gross deletion of the genomic region encompassing the full coding sequence of the COL11A1 gene has been identified. Loss-of-function variants in COL11A1 are known to be pathogenic (PMID: 20513134, 21035103, 23922384, 25240749, 32427345, 32756486). The boundaries of this event are unknown as they extend beyond the assayed region for this gene and therefore may encompass additional genes. This variant has not been reported in the literature in individuals affected with COL11A1-related conditions. For these reasons, this variant has been classified as Pathogenic.

Literature cited by the submitters: PubMed 20513134; PubMed 21035103; PubMed 23922384; PubMed 25240749; PubMed 32427345; PubMed 32756486.

NC_000001.10:g.(?_103343575)_(104094402_?)del

Genes: COL11A1 (collagen type XI alpha 1 chain; minus strand), RNPC3 (RNA binding region (RNP1, RRM) containing 3; plus strand). Cytogenetic location: 1p21.1.
Variant type: Deletion.
Identifiers: ClinVar variation 3247915 (VCV003247915.1).